The following is an entry in ClinVar:

NM_014946.4(SPAST):c.1540A>G (p.Arg514Gly)

Gene: SPAST (spastin; plus strand). Cytogenetic location: 2p22.3.
Variant type: single nucleotide variant.
Coding change: c.1540A>G on transcript NM_014946.4 (MANE Select); coding-DNA position 1540, A replaced by G.
Protein change: p.Arg514Gly; replaces arginine 514 with glycine.
Molecular consequence: missense variant.
Genome position (GRCh38, 1-based): chr2:32,143,339, A>G. VCF-style: chr2-32143339-A-G. GRCh37 (hg19) VCF-style: chr2-32368408-A-G.
Other names: c.1537A>G, p.Arg513Gly (NM_001363823.2); c.1441A>G, p.Arg481Gly (NM_001363875.2); c.1444A>G, p.Arg482Gly (NM_001377959.1, NM_199436.2); short protein forms R482G, R514G, R513G, R481G.
Identifiers: ClinVar variation 871420 (VCV000871420.43), dbSNP rs1553319286, ClinGen allele CA346503582.
Genomic context (GRCh38, chr2:32,143,339, plus strand): 5'-GAAAAGAATCATTAATTCTGAAATTAGACTGAATGATCATTTTTTAATATTTTTCAGACA[A>G]GACTACTTTTGCTTAAAAATCTGTTATGTAAACAAGGAAGTCCATTGACCCAAAAAGAAC-3'
Protein context (NP_055761.2, residues 504-524): VYVSLPNEET[Arg514Gly]LLLLKNLLCK

ClinVar aggregate classification (germline): Pathogenic. Review status: criteria provided, multiple submitters, no conflicts (2 of 4 stars). 2 submissions from 2 submitters: Pathogenic (2). Last evaluated 2024-12-10.

Conditions:
Hereditary spastic paraplegia 4. Also called: Spastic paraplegia 4, autosomal dominant; Spastic Paraplegia 4; Familial spastic paraplegia autosomal dominant 2. Identifiers: Orphanet 100985, MedGen C1866855, MONDO:0008438, OMIM 182601.

Submissions (2):

Labcorp Genetics (formerly Invitae), Labcorp
Classification: Pathogenic for Hereditary spastic paraplegia 4. Last evaluated: 2024-12-10. Review status: criteria provided, single submitter. Criteria: Invitae Variant Classification Sherloc (09022015). Collection method: clinical testing. Allele origin: germline.
Comment: This sequence change replaces arginine, which is basic and polar, with glycine, which is neutral and non-polar, at codon 514 of the SPAST protein (p.Arg514Gly). This variant is not present in population databases (gnomAD no frequency). This missense change has been observed in individuals with clinical features of hereditary spastic paraplegia (PMID: 18701882, 20932283; internal data). ClinVar contains an entry for this variant (Variation ID: 871420). Invitae Evidence Modeling of protein sequence and biophysical properties (such as structural, functional, and spatial information, amino acid conservation, physicochemical variation, residue mobility, and thermodynamic stability) indicates that this missense variant is expected to disrupt SPAST protein function with a positive predictive value of 80%. For these reasons, this variant has been classified as Pathogenic.

CeGaT Center for Human Genetics Tuebingen
Classification: Pathogenic. Last evaluated: 2018-12-01. Review status: criteria provided, single submitter. Criteria: CeGaT Center For Human Genetics Tuebingen Variant Classification Criteria Version 2. Collection method: clinical testing. Allele origin: germline. Affected: yes. Observed: 1 variant allele.

Literature cited by the submitters: PubMed 18701882 (cited by Labcorp Genetics (formerly Invitae), Labcorp); PubMed 20932283 (cited by Labcorp Genetics (formerly Invitae), Labcorp).